The following is an entry in ClinVar:

ClinVar aggregate classification (germline): Pathogenic (1 of 4 stars; one submission).

Conditions:
Alstrom syndrome (ALMS). Identifiers: Orphanet 64, MedGen C0268425, MONDO:0008763, OMIM 203800.

Submission:

Labcorp Genetics (formerly Invitae), Labcorp
Classification: Pathogenic for Alstrom syndrome. Last evaluated: 2021-02-21. Review status: criteria provided, single submitter. Criteria: Invitae Variant Classification Sherloc (09022015). Collection method: clinical testing. Allele origin: germline.
Comment: This sequence change creates a premature translational stop signal (p.Thr690Lysfs*6) in the ALMS1 gene. It is expected to result in an absent or disrupted protein product. Loss-of-function variants in ALMS1 are known to be pathogenic (PMID: 17594715). This variant is not present in population databases (ExAC no frequency). This variant has not been reported in the literature in individuals with ALMS1-related conditions. For these reasons, this variant has been classified as Pathogenic.

Literature cited by the submitters: PubMed 17594715.

NM_001378454.1(ALMS1):c.2064_2065dup (p.Thr689fs)

Gene: ALMS1 (ALMS1 centrosome and basal body associated protein; plus strand). Cytogenetic location: 2p13.1.
Variant type: Duplication.
Coding change: c.2064_2065dup on transcript NM_001378454.1 (MANE Select); coding-DNA positions 2064 to 2065, 2 bases duplicated (AA; older notation c.2064_2065dupAA).
Protein change: p.Thr689fs; shifts the reading frame from threonine 689.
Molecular consequence: frameshift variant.
Genome position (GRCh38, 1-based): chr2:73,448,591-73,448,592, AA duplicated. VCF-style (leftmost placement, unchanged base first): chr2-73448590-T-TAA. GRCh37 (hg19) VCF-style: chr2-73675717-T-TAA.
Other names: c.2067_2068dup, p.Thr690fs (NM_015120.4); short protein forms T690fs, T689fs.
Identifiers: ClinVar variation 1423733 (VCV001423733.6), dbSNP rs2103773428, ClinGen allele CA2573135758.